The following is an entry in ClinVar:

NM_014334.4(FRRS1L):c.-95G>A

Gene: FRRS1L (ferric chelate reductase 1 like; minus strand). Cytogenetic location: 9q31.3.
Variant type: single nucleotide variant.
Coding change: c.-95G>A on transcript NM_014334.4 (MANE Select); 95 bases upstream of the start codon, G replaced by A.
Molecular consequence: 5 prime UTR variant.
Genome position (GRCh38, 1-based): chr9:109,167,233, C>T on the plus strand (G>A on the coding strand, the complement: FRRS1L is on the minus strand). VCF-style: chr9-109167233-C-T. GRCh37 (hg19) VCF-style: chr9-111929513-C-T.
Identifiers: ClinVar variation 2015630 (VCV002015630.4), dbSNP rs988175381, ClinGen allele CA374431051.

ClinVar aggregate classification (germline): Uncertain significance (1 of 4 stars; one submission).

Conditions:
Developmental and epileptic encephalopathy, 37 (DEE37). Also called: Epileptic encephalopathy, early infantile, 37. Identifiers: MedGen C4310770, MONDO:0014859, OMIM 616981.

Submission:

Labcorp Genetics (formerly Invitae), Labcorp
Classification: Uncertain significance for Developmental and epileptic encephalopathy, 37. Last evaluated: 2022-11-03. Review status: criteria provided, single submitter. Criteria: Invitae Variant Classification Sherloc (09022015). Collection method: clinical testing. Allele origin: germline.
Comment: In summary, the available evidence is currently insufficient to determine the role of this variant in disease. Therefore, it has been classified as a Variant of Uncertain Significance. Algorithms developed to predict the effect of missense changes on protein structure and function are either unavailable or do not agree on the potential impact of this missense change (SIFT: "Deleterious"; PolyPhen-2: "Not Available"; Align-GVGD: "Class C0"). This variant has not been reported in the literature in individuals affected with FRRS1L-related conditions. This variant is not present in population databases (gnomAD no frequency). This sequence change replaces arginine, which is basic and polar, with histidine, which is basic and polar, at codon 20 of the FRRS1L protein (p.Arg20His).